The following is an entry in ClinVar:

ClinVar aggregate classification (germline): Uncertain significance (1 of 4 stars; one submission).

Conditions:
Long QT syndrome (LQTS). Identifiers: MedGen C0023976, MeSH D008133, MONDO:0002442. Disease mechanism: loss of function. Inheritance: Various modes of inheritance.

Submission:

Labcorp Genetics (formerly Invitae), Labcorp
Classification: Uncertain significance for Long QT syndrome. Last evaluated: 2020-06-06. Review status: criteria provided, single submitter. Criteria: Invitae Variant Classification Sherloc (09022015). Collection method: clinical testing. Allele origin: germline.
Comment: In summary, the available evidence is currently insufficient to determine the role of this variant in disease. Therefore, it has been classified as a Variant of Uncertain Significance. This sequence change replaces aspartic acid with histidine at codon 2081 of the AKAP9 protein (p.Asp2081His). The aspartic acid residue is highly conserved and there is a moderate physicochemical difference between aspartic acid and histidine. This variant is not present in population databases (ExAC no frequency). This variant has not been reported in the literature in individuals with AKAP9-related conditions. Algorithms developed to predict the effect of missense changes on protein structure and function are either unavailable or do not agree on the potential impact of this missense change (SIFT: "Deleterious"; PolyPhen-2: "Probably Damaging"; Align-GVGD: "Class C0").

NM_005751.5(AKAP9):c.6241G>C (p.Asp2081His)

Gene: AKAP9 (A-kinase anchoring protein 9; plus strand). Cytogenetic location: 7q21.2.
Variant type: single nucleotide variant.
Coding change: c.6241G>C on transcript NM_005751.5 (MANE Select); coding-DNA position 6241, G replaced by C.
Protein change: p.Asp2081His; replaces aspartic acid 2081 with histidine.
Molecular consequence: missense variant.
Genome position (GRCh38, 1-based): chr7:92,066,457, G>C. VCF-style: chr7-92066457-G-C. GRCh37 (hg19) VCF-style: chr7-91695771-G-C.
Other names: c.886G>C, p.Asp296His (NM_001379277.1); c.6241G>C, p.Asp2081His (NM_147185.3); short protein forms D2081H, D296H.
Identifiers: ClinVar variation 1017385 (VCV001017385.8), dbSNP rs1810782045, ClinGen allele CA368133173.
Genomic context (GRCh38, chr7:92,066,457, plus strand): 5'-GCTACTATCATTATTGTCATTAAACTTTAGGAGCAAGCCATTGACAGAGAACATGAGAGA[G>C]ATGTATTCCAACAGGAAATACAGAAACTAGAACAGCAACTTAAGGTTGTTCCTCGATTCC-3'
Protein context (NP_005742.4, residues 2071-2091): EQAIDREHER[Asp2081His]VFQQEIQKLE